The following is an entry in ClinVar:

ClinVar aggregate classification (germline): Likely benign (0 of 4 stars; one submission).

Conditions:
Breast-ovarian cancer, familial, susceptibility to, 1 (BROVCA1). Also called: BRCA1 Hereditary Breast and Ovarian Cancer; OVARIAN CANCER, SUSCEPTIBILITY TO. Identifiers: Orphanet 145, MedGen C2676676, MONDO:0011450, OMIM 604370. Disease mechanism: loss of function.

Submission:

Department of Medical and Surgical Sciences, University of Bologna
Classification: Likely benign for Breast-ovarian cancer, familial, susceptibility to, 1. Last evaluated: 2023-09-01. Review status: no assertion criteria provided. Collection method: clinical testing. Allele origin: germline. Affected: yes.
Comment: BP1(Strong) according to ACMG/AMP classification guidelines specified for BRCA1 & BRCA2 (Classification Criteria V1.0.0 2023-09-08) (PMID: 38160042)

NM_007294.4(BRCA1):c.2237A>T (p.Asp746Val)

Gene: BRCA1 (BRCA1 DNA repair associated; minus strand). Cytogenetic location: 17q21.31.
Variant type: single nucleotide variant.
Coding change: c.2237A>T on transcript NM_007294.4 (MANE Select); coding-DNA position 2237, A replaced by T.
Protein change: p.Asp746Val; replaces aspartic acid 746 with valine.
Molecular consequence: missense variant. On other transcripts: intron variant (137).
Genome position (GRCh38, 1-based): chr17:43,093,294, T>A on the plus strand (A>T on the coding strand, the complement: BRCA1 is on the minus strand). VCF-style: chr17-43093294-T-A. GRCh37 (hg19) VCF-style: chr17-41245311-T-A.
Other names: c.2024A>T, p.Asp675Val (NM_001407571.1, NM_001407898.1, NM_001407899.1 and 9 more transcripts); c.2237A>T, p.Asp746Val (NM_001407581.1, NM_001407582.1, NM_001407583.1 and 30 more transcripts); c.2234A>T, p.Asp745Val (NM_001407587.1, NM_001407590.1, NM_001407591.1 and 22 more transcripts); c.2228A>T, p.Asp743Val (NM_001407647.1, NM_001407646.1); c.2114A>T, p.Asp705Val (NM_001407648.1, NM_001407668.1, NM_001407669.1 and 19 more transcripts); c.2111A>T, p.Asp704Val (NM_001407649.1, NM_001407670.1, NM_001407671.1 and 11 more transcripts); c.2159A>T, p.Asp720Val (NM_001407653.1, NM_001407654.1, NM_001407655.1 and 4 more transcripts); c.2096A>T, p.Asp699Val (NM_001407732.1, NM_001407733.1, NM_001407734.1 and 29 more transcripts); and 41 more; short protein forms D450V, D578V, D618V, D619V, D634V, D635V, D657V, D658V.
Identifiers: ClinVar variation 2683814 (VCV002683814.1), dbSNP rs2154388675, ClinGen allele CA10597524.